The following is an entry in ClinVar:

ClinVar aggregate classification (germline): Uncertain significance. Review status: criteria provided, multiple submitters, no conflicts (2 of 4 stars). 4 submissions from 4 submitters: Uncertain significance (3). 1 of the submissions does not count toward it. Last evaluated 2025-08-06.

Conditions:
Bloom syndrome (BLM). Also called: Bloom-Torre-Machacek syndrome. Identifiers: Orphanet 125, MedGen C0005859, MONDO:0008876, OMIM 210900.
Hereditary cancer-predisposing syndrome. Also called: Neoplastic Syndromes, Hereditary; Tumor predisposition; Hereditary neoplastic syndrome; Hereditary Cancer Syndrome. Identifiers: Orphanet 140162, MedGen C0027672, MeSH D009386, MONDO:0015356.

Allele frequency attached by ClinVar (database versions not stated): gnomAD exomes 0.00001.
gnomAD v4.1: 12 of 1,614,054 alleles (0.00074%); highest among the groups gnomAD compares: Non-Finnish European, 0.001%; no homozygotes.

Submissions (4):

Labcorp Genetics (formerly Invitae), Labcorp
Classification: Uncertain significance for Bloom syndrome. Last evaluated: 2025-08-06. Review status: criteria provided, single submitter. Criteria: Invitae Variant Classification Sherloc (09022015). Collection method: clinical testing. Allele origin: germline.
Comment: This sequence change replaces phenylalanine, which is neutral and non-polar, with serine, which is neutral and polar, at codon 520 of the BLM protein (p.Phe520Ser). This variant is not present in population databases (gnomAD no frequency). This variant has not been reported in the literature in individuals affected with BLM-related conditions. ClinVar contains an entry for this variant (Variation ID: 566637). Invitae Evidence Modeling of protein sequence and biophysical properties (such as structural, functional, and spatial information, amino acid conservation, physicochemical variation, residue mobility, and thermodynamic stability) indicates that this missense variant is not expected to disrupt BLM protein function with a negative predictive value of 80%. In summary, the available evidence is currently insufficient to determine the role of this variant in disease. Therefore, it has been classified as a Variant of Uncertain Significance.

Ambry Genetics
Classification: Uncertain significance for Hereditary cancer-predisposing syndrome. Last evaluated: 2024-06-08. Review status: criteria provided, single submitter. Criteria: Ambry Variant Classification Scheme 2023. Collection method: clinical testing. Allele origin: germline.
Comment: The p.F520S variant (also known as c.1559T>C), located in coding exon 6 of the BLM gene, results from a T to C substitution at nucleotide position 1559. The phenylalanine at codon 520 is replaced by serine, an amino acid with highly dissimilar properties. This amino acid position is well conserved in available vertebrate species. In addition, this alteration is predicted to be tolerated by in silico analysis. Since supporting evidence is limited at this time, the clinical significance of this alteration remains unclear.

GeneDx
Classification: Uncertain significance. Last evaluated: 2021-03-29. Review status: criteria provided, single submitter. Criteria: GeneDx Variant Classification Process June 2021. Collection method: clinical testing. Allele origin: germline. Affected: yes.
Comment: Has not been previously published as pathogenic or benign to our knowledge; Not observed in large population cohorts (Lek 2016); In silico analysis supports that this missense variant does not alter protein structure/function

Natera, Inc.
Classification: Uncertain significance for Bloom syndrome. Last evaluated: 2021-05-17. Review status: no assertion criteria provided. Collection method: clinical testing. Allele origin: germline. Not counted in ClinVar's aggregate classification.

NM_000057.4(BLM):c.1559T>C (p.Phe520Ser)

Gene: BLM (BLM RecQ like helicase; plus strand). Cytogenetic location: 15q26.1.
Variant type: single nucleotide variant.
Coding change: c.1559T>C on transcript NM_000057.4 (MANE Select); coding-DNA position 1559, T replaced by C.
Protein change: p.Phe520Ser; replaces phenylalanine 520 with serine.
Molecular consequence: missense variant.
Genome position (GRCh38, 1-based): chr15:90,760,932, T>C. VCF-style: chr15-90760932-T-C. GRCh37 (hg19) VCF-style: chr15-91304162-T-C.
Other names: c.1559T>C, p.Phe520Ser (NM_001287246.2, NM_001287247.2); c.434T>C, p.Phe145Ser (NM_001287248.2); short protein forms F520S, F145S.
Identifiers: ClinVar variation 566637 (VCV000566637.18), dbSNP rs1410283592, ClinGen allele CA393843327.